The following is an entry in ClinVar:

NM_015631.6(TCTN3):c.1816A>G (p.Thr606Ala)

Gene: TCTN3 (tectonic family member 3; minus strand). Cytogenetic location: 10q24.1.
Variant type: single nucleotide variant.
Coding change: c.1816A>G on transcript NM_015631.6 (MANE Select); coding-DNA position 1816, A replaced by G.
Protein change: p.Thr606Ala; replaces threonine 606 with alanine.
Molecular consequence: missense variant.
Genome position (GRCh38, 1-based): chr10:95,664,075, T>C on the plus strand (A>G on the coding strand, the complement: TCTN3 is on the minus strand). VCF-style: chr10-95664075-T-C. GRCh37 (hg19) VCF-style: chr10-97423832-T-C.
Other names: c.1870A>G, p.Thr624Ala (NM_001013840.1); c.1372A>G, p.Thr458Ala (NM_001143973.2); c.1720A>G, p.Thr574Ala (NM_001410982.1); short protein forms T606A, T574A, T624A, T458A.
Identifiers: ClinVar variation 2953517 (VCV002953517.3), dbSNP rs2492671725, ClinGen allele CA377698651.

ClinVar aggregate classification (germline): Uncertain significance (1 of 4 stars; one submission).

Conditions:
Joubert syndrome 18 (JBTS18). Identifiers: Orphanet 2754, MedGen C3553758, MONDO:0013896, OMIM 614815.
Orofacial-digital syndrome IV (OFD4). Also called: BARAITSER-BURN SYNDROME; OFD SYNDROME WITH TIBIAL DEFECTS; OFD SYNDROME, BARAITSER-BURN TYPE; OFDS IV; ORAL-FACIAL-DIGITAL SYNDROME, TYPE IV; Orofaciodigital syndrome IV. Identifiers: Orphanet 2753, MedGen C0406727, MONDO:0009794, OMIM 258860.

Submission:

Labcorp Genetics (formerly Invitae), Labcorp
Classification: Uncertain significance for Joubert syndrome 18; Orofacial-digital syndrome IV. Last evaluated: 2023-11-03. Review status: criteria provided, single submitter. Criteria: Invitae Variant Classification Sherloc (09022015). Collection method: clinical testing. Allele origin: germline.
Comment: This sequence change replaces threonine, which is neutral and polar, with alanine, which is neutral and non-polar, at codon 606 of the TCTN3 protein (p.Thr606Ala). This variant is not present in population databases (gnomAD no frequency). This variant has not been reported in the literature in individuals affected with TCTN3-related conditions. An algorithm developed to predict the effect of missense changes on protein structure and function (PolyPhen-2) suggests that this variant is likely to be tolerated. In summary, the available evidence is currently insufficient to determine the role of this variant in disease. Therefore, it has been classified as a Variant of Uncertain Significance.